The following is an entry in ClinVar:

NM_024753.5(TTC21B):c.3551C>G (p.Ala1184Gly)

Gene: TTC21B (tetratricopeptide repeat domain 21B; minus strand). Cytogenetic location: 2q24.3.
Variant type: single nucleotide variant.
Coding change: c.3551C>G on transcript NM_024753.5 (MANE Select); coding-DNA position 3551, C replaced by G.
Protein change: p.Ala1184Gly; replaces alanine 1184 with glycine.
Molecular consequence: missense variant.
Genome position (GRCh38, 1-based): chr2:165,883,927, G>C on the plus strand (C>G on the coding strand, the complement: TTC21B is on the minus strand). VCF-style: chr2-165883927-G-C. GRCh37 (hg19) VCF-style: chr2-166740437-G-C.
Other names: short protein forms A1184G.
Identifiers: ClinVar variation 1957077 (VCV001957077.3), dbSNP rs754751728, ClinGen allele CA349047008.

ClinVar aggregate classification (germline): Uncertain significance (1 of 4 stars; one submission).

Conditions:
Jeune thoracic dystrophy. Also called: Short-rib thoracic dysplasia; Jeune syndrome; Infantile thoracic dystrophy; Thoracic pelvic phalangeal dystrophy; Jeune's syndrome; Chondroectodermal dysplasia-like syndrome. Identifiers: Orphanet 474, MedGen C0265275, MONDO:0018770.
Nephronophthisis. Also called: Juvenile Nephronophthisis. Identifiers: Orphanet 655, MedGen C0687120, MONDO:0019005, HP:0000090.

Submission:

Labcorp Genetics (formerly Invitae), Labcorp
Classification: Uncertain significance for Jeune thoracic dystrophy; Nephronophthisis. Last evaluated: 2022-03-20. Review status: criteria provided, single submitter. Criteria: Invitae Variant Classification Sherloc (09022015). Collection method: clinical testing. Allele origin: germline.
Comment: This variant is not present in population databases (gnomAD no frequency). In summary, the available evidence is currently insufficient to determine the role of this variant in disease. Therefore, it has been classified as a Variant of Uncertain Significance. Algorithms developed to predict the effect of missense changes on protein structure and function (SIFT, PolyPhen-2, Align-GVGD) all suggest that this variant is likely to be tolerated. This variant has not been reported in the literature in individuals affected with TTC21B-related conditions. This sequence change replaces alanine, which is neutral and non-polar, with glycine, which is neutral and non-polar, at codon 1184 of the TTC21B protein (p.Ala1184Gly).